The following is an entry in ClinVar:

ClinVar aggregate classification (germline): Uncertain significance. Review status: criteria provided, multiple submitters, no conflicts (2 of 4 stars). 2 submissions from 2 submitters: Uncertain significance (2). Last evaluated 2024-12-11.

Conditions:
Sitosterolemia 2. Identifiers: MedGen C5231453, MONDO:0020748, OMIM 618666.

Submissions (2):

Mayo Clinic Laboratories, Mayo Clinic
Classification: Uncertain significance. Last evaluated: 2024-12-11. Review status: criteria provided, single submitter. Criteria: ACMG Guidelines, 2015. Collection method: clinical testing. Allele origin: germline. Observed: 1 variant allele.
Comment: PM2_supporting

ISTH-SSC Genomics in Thrombosis and Hemostasis, KU Leuven, Center for Molecular and Vascular Biology
Classification: Uncertain significance for Sitosterolemia 2. Review status: criteria provided, single submitter. Criteria: ACMG Guidelines, 2015. Collection method: clinical testing. Allele origin: germline. Affected: yes. Observed: 1 compound heterozygote.
Comment: Submitted to GoldVariant by Jose María Bastida and José Rivera; Grupo Español de Alteraciones Plaquetarias Congénitas (GEAPC)

NM_022436.3(ABCG5):c.728G>T (p.Arg243Leu)

Genes: ABCG5 (ATP binding cassette subfamily G member 5; minus strand), DYNC2LI1 (dynein cytoplasmic 2 light intermediate chain 1; plus strand). Cytogenetic location: 2p21.
Variant type: single nucleotide variant.
Coding change: c.728G>T on transcript NM_022436.3 (MANE Select); coding-DNA position 728, G replaced by T.
Protein change: p.Arg243Leu; replaces arginine 243 with leucine.
Molecular consequence: missense variant. On other transcripts: intron variant (2).
Genome position (GRCh38, 1-based): chr2:43,826,428, C>A on the plus strand (G>T on the coding strand, the complement: ABCG5 is on the minus strand). VCF-style: chr2-43826428-C-A. GRCh37 (hg19) VCF-style: chr2-44053567-C-A.
Other names: p.Arg243Leu; c.*16-958C>A (NM_001348913.2, NM_001348912.2); short protein forms R243L.
Identifiers: ClinVar variation 1703837 (VCV001703837.2), dbSNP rs774178234, ClinGen allele CA346666340.